The following is an entry in ClinVar:

ClinVar aggregate classification (germline): Uncertain significance (1 of 4 stars; one submission).

Conditions:
Congenital myasthenic syndrome 10. Also called: Myasthenia, limb-girdle, familial. Identifiers: Orphanet 590, MedGen C1850792, MONDO:0009690, OMIM 254300.
Fetal akinesia deformation sequence 1 (FADS1). Also called: Pena-Shokeir syndrome type I; Fetal akinesia sequence. Identifiers: Orphanet 994, MedGen C1276035, MONDO:0100101, OMIM 208150, HP:0001989.

Allele frequency attached by ClinVar (database versions not stated): gnomAD exomes below 0.00001; ExAC 0.00004.
gnomAD v4.1: 2 of 1,570,806 alleles (0.00013%); highest among the groups gnomAD compares: South Asian, 0.0012%; no homozygotes.

Submission:

Labcorp Genetics (formerly Invitae), Labcorp
Classification: Uncertain significance for Congenital myasthenic syndrome 10; Fetal akinesia deformation sequence 1. Last evaluated: 2022-04-22. Review status: criteria provided, single submitter. Criteria: Invitae Variant Classification Sherloc (09022015). Collection method: clinical testing. Allele origin: germline.
Comment: In summary, the available evidence is currently insufficient to determine the role of this variant in disease. Therefore, it has been classified as a Variant of Uncertain Significance. Variants that disrupt the consensus splice site are a relatively common cause of aberrant splicing (PMID: 17576681, 9536098). Algorithms developed to predict the effect of sequence changes on RNA splicing suggest that this variant is not likely to affect RNA splicing. This variant has not been reported in the literature in individuals affected with DOK7-related conditions. The frequency data for this variant in the population databases is considered unreliable, as metrics indicate poor data quality at this position in the gnomAD database. This sequence change falls in intron 6 of the DOK7 gene. It does not directly change the encoded amino acid sequence of the DOK7 protein. It affects a nucleotide within the consensus splice site.

Literature cited by the submitters: PubMed 17576681; PubMed 9536098.

NM_173660.5(DOK7):c.772+4G>A

Genes: DOK7 (docking protein 7; plus strand), LOC129992118 (ATAC-STARR-seq lymphoblastoid silent region 15206; plus strand). Cytogenetic location: 4p16.3.
Variant type: single nucleotide variant.
Coding change: c.772+4G>A on transcript NM_173660.5 (MANE Select); 4 bases into the intron after coding-DNA position 772, G replaced by A.
Molecular consequence: intron variant.
Genome position (GRCh38, 1-based): chr4:3,489,800, G>A. VCF-style: chr4-3489800-G-A. GRCh37 (hg19) VCF-style: chr4-3491527-G-A.
Other names: c.772+4G>A (NM_001301071.2); c.340+4G>A (NM_001363811.2); c.761+4G>A (NM_001164673.2); c.-159+4G>A (NM_001256896.2).
Identifiers: ClinVar variation 1899352 (VCV001899352.5), dbSNP rs765981530, ClinGen allele CA2829179.